The following is an entry in ClinVar:

NM_001164508.2(NEB):c.10868G>A (p.Ser3623Asn)

Gene: NEB (nebulin; minus strand). Cytogenetic location: 2q23.3.
Variant type: single nucleotide variant.
Coding change: c.10868G>A on transcript NM_001164508.2 (MANE Select); coding-DNA position 10868, G replaced by A.
Protein change: p.Ser3623Asn; replaces serine 3623 with asparagine.
Molecular consequence: missense variant.
Genome position (GRCh38, 1-based): chr2:151,619,455, C>T on the plus strand (G>A on the coding strand, the complement: NEB is on the minus strand). VCF-style: chr2-151619455-C-T. GRCh37 (hg19) VCF-style: chr2-152475969-C-T.
Other names: c.10868G>A, p.Ser3623Asn (NM_001164507.2, NM_001271208.2); c.10139G>A, p.Ser3380Asn (NM_004543.5); short protein forms S3380N, S3623N.
Identifiers: ClinVar variation 3347758 (VCV003347758.1).

ClinVar aggregate classification (germline): Uncertain significance (0 of 4 stars; one submission).

Conditions:
NEB-related disorder. Also called: NEB-related condition; NEB-Related Disorders.

Submission:

PreventionGenetics, part of Exact Sciences
Classification: Uncertain significance for NEB-related condition. Last evaluated: 2024-04-09. Review status: no assertion criteria provided. Collection method: clinical testing. Allele origin: germline.
Comment: The NEB c.10868G>A variant is predicted to result in the amino acid substitution p.Ser3623Asn. To our knowledge, this variant has not been reported in the literature or in a large population database, indicating this variant is rare. At this time, the clinical significance of this variant is uncertain due to the absence of conclusive functional and genetic evidence.